The following is an entry in ClinVar:

ClinVar aggregate classification (germline): Conflicting classifications of pathogenicity. Review status: criteria provided, conflicting classifications (1 of 4 stars). 2 submissions from 2 submitters: Uncertain significance (1); Likely benign (1). Last evaluated 2025-04-21.

Conditions:
Menkes kinky-hair syndrome (MNK). Also called: Classic Menkes Disease; Copper transport disease; Menkes Disease. Identifiers: Orphanet 565, MedGen C0022716, MONDO:0010651, OMIM 309400.
Cutis laxa, X-linked (OHS). Also called: EDS IX; Occipital horn syndrome. Identifiers: Orphanet 198, MedGen C0268353, MONDO:0010572, OMIM 304150.
X-linked distal spinal muscular atrophy type 3. Also called: ATP7A-Related Distal Motor Neuropathy; SPINAL MUSCULAR ATROPHY, DISTAL, X-LINKED RECESSIVE; NEURONOPATHY, DISTAL HEREDITARY MOTOR, X-LINKED; NEUROPATHY, DISTAL HEREDITARY MOTOR, X-LINKED. Identifiers: Orphanet 139557, MedGen C1845359, MONDO:0010338, OMIM 300489.

Allele frequency attached by ClinVar (database versions not stated): gnomAD exomes below 0.00001.
gnomAD v4.1: 2 of 1,211,410 alleles (0.00017%); highest among the groups gnomAD compares: Admixed American, 0.0022%; no homozygotes.

Submissions (2):

GeneDx
Classification: Uncertain significance. Last evaluated: 2025-04-21. Review status: criteria provided, single submitter. Criteria: GeneDx Variant Classification Process June 2021. Collection method: clinical testing. Allele origin: germline. Affected: yes.
Comment: In silico analysis indicates that this missense variant does not alter protein structure/function; Has not been previously published as pathogenic or benign to our knowledge

Labcorp Genetics (formerly Invitae), Labcorp
Classification: Likely benign for X-linked distal spinal muscular atrophy type 3; Cutis laxa, X-linked; Menkes kinky-hair syndrome. Last evaluated: 2025-03-19. Review status: criteria provided, single submitter. Criteria: Invitae Variant Classification Sherloc (09022015). Collection method: clinical testing. Allele origin: germline.

NM_000052.7(ATP7A):c.1147A>G (p.Ile383Val)

Gene: ATP7A (ATPase copper transporting alpha; plus strand). Cytogenetic location: Xq21.1.
Variant type: single nucleotide variant.
Coding change: c.1147A>G on transcript NM_000052.7 (MANE Select); coding-DNA position 1147, A replaced by G.
Protein change: p.Ile383Val; replaces isoleucine 383 with valine.
Molecular consequence: missense variant.
Genome position (GRCh38, 1-based): chrX:77,989,769, A>G. VCF-style: chrX-77989769-A-G. GRCh37 (hg19) VCF-style: chrX-77245265-A-G.
Other names: c.1147A>G, p.Ile383Val (NM_001282224.2); c.1147A>G (NM_000052.4); short protein forms I383V.
Identifiers: ClinVar variation 2953293 (VCV002953293.4), dbSNP rs1557231872, ClinGen allele CA413601913.